The following is an entry in ClinVar:

NM_170707.4(LMNA):c.1234G>C (p.Gly412Arg)

Gene: LMNA (lamin A/C; plus strand). Cytogenetic location: 1q22.
Variant type: single nucleotide variant.
Coding change: c.1234G>C on transcript NM_170707.4 (MANE Select); coding-DNA position 1234, G replaced by C.
Protein change: p.Gly412Arg; replaces glycine 412 with arginine.
Molecular consequence: missense variant.
Genome position (GRCh38, 1-based): chr1:156,136,290, G>C. VCF-style: chr1-156136290-G-C. GRCh37 (hg19) VCF-style: chr1-156106081-G-C.
Other names: c.898G>C, p.Gly300Arg (NM_001257374.3); c.991G>C, p.Gly331Arg (NM_001282624.2); c.1234G>C, p.Gly412Arg (NM_001282625.2, NM_001282626.2, NM_005572.4 and 1 more transcripts); short protein forms G300R, G331R, G412R.
Identifiers: ClinVar variation 925440 (VCV000925440.18), dbSNP rs966050612, ClinGen allele CA31013510.
Genomic context (GRCh38, chr1:156,136,290, plus strand): 5'-AGCCCTACCTCGCAGCGCAGCCGTGGCCGTGCTTCCTCTCACTCATCCCAGACACAGGGT[G>C]GGGGCAGCGTCACCAAAAAGCGCAAACTGGAGTCCACTGAGAGCCGCAGCAGCTTCTCAC-3'
Protein context (NP_733821.1, residues 402-422): ASSHSSQTQG[Gly412Arg]GSVTKKRKLE

ClinVar aggregate classification (germline): Uncertain significance. Review status: criteria provided, multiple submitters, no conflicts (2 of 4 stars). 5 submissions from 5 submitters: Uncertain significance (5). Last evaluated 2026-01-15.

Conditions:
Cardiomyopathy (CMYO). Also called: Cardiomyopathies. Identifiers: Orphanet 167848, MedGen C0878544, MONDO:0004994, HP:0001638. Inheritance: Various modes of inheritance.
Primary dilated cardiomyopathy (DCM). Also called: Dilated Cardiomyopathy. Identifiers: Orphanet 217604, MedGen C0007193, MeSH D002311, MONDO:0005021, HP:0001644. Inheritance: Various modes of inheritance.
Cardiovascular phenotype. Identifiers: MedGen CN230736.
Charcot-Marie-Tooth disease type 2. Also called: Charcot-Marie-Tooth type 2. Identifiers: Orphanet 64746, MedGen C0270914, MONDO:0018993.

Allele frequency attached by ClinVar (database versions not stated): gnomAD 0.00001.
gnomAD v4.1: 8 of 1,611,876 alleles (0.0005%); highest among the groups gnomAD compares: East Asian, 0.0089%; no homozygotes.

Submissions (5):

Labcorp Genetics (formerly Invitae), Labcorp
Classification: Uncertain significance for Charcot-Marie-Tooth disease type 2. Last evaluated: 2026-01-15. Review status: criteria provided, single submitter. Criteria: Invitae Variant Classification Sherloc (09022015). Collection method: clinical testing. Allele origin: germline.
Comment: This sequence change replaces glycine, which is neutral and non-polar, with arginine, which is basic and polar, at codon 412 of the LMNA protein (p.Gly412Arg). This variant is not present in population databases (gnomAD no frequency). This variant has not been reported in the literature in individuals affected with LMNA-related conditions. ClinVar contains an entry for this variant (Variation ID: 925440). Invitae Evidence Modeling of protein sequence and biophysical properties (such as structural, functional, and spatial information, amino acid conservation, physicochemical variation, residue mobility, and thermodynamic stability) has been performed for this missense variant. However, the output from this modeling did not meet the statistical confidence thresholds required to predict the impact of this variant on LMNA protein function. In summary, the available evidence is currently insufficient to determine the role of this variant in disease. Therefore, it has been classified as a Variant of Uncertain Significance.

Ambry Genetics
Classification: Uncertain significance for Cardiovascular phenotype. Last evaluated: 2025-03-10. Review status: criteria provided, single submitter. Criteria: Ambry Variant Classification Scheme 2023. Collection method: clinical testing. Allele origin: germline.
Comment: The p.G412R variant (also known as c.1234G>C), located in coding exon 7 of the LMNA gene, results from a G to C substitution at nucleotide position 1234. The glycine at codon 412 is replaced by arginine, an amino acid with dissimilar properties. This amino acid position is not well conserved in available vertebrate species. In addition, the in silico prediction for this alteration is inconclusive. Based on the available evidence, the clinical significance of this variant remains unclear.

All of Us Research Program, National Institutes of Health
Classification: Uncertain significance for Primary dilated cardiomyopathy. Last evaluated: 2024-04-16. Review status: criteria provided, single submitter. Criteria: ACMG Guidelines, 2015. Collection method: clinical testing. Allele origin: germline. Inheritance: Autosomal dominant inheritance. Observed: 5 variant alleles, 5 heterozygotes.
Comment: This missense variant replaces glycine with arginine at codon 412 of the lamin A/C proteins. Computational prediction suggests that this variant may not impact protein structure and function (internally defined REVEL score threshold <= 0.5, PMID: 27666373). To our knowledge, functional studies have not been reported for this variant. This variant has not been reported in individuals affected with cardiovascular disorders in the literature. This variant has not been identified in the general population by the Genome Aggregation Database (gnomAD). The available evidence is insufficient to determine the role of this variant in disease conclusively. Therefore, this variant is classified as a Variant of Uncertain Significance.

This study involves interpretation of variants in research participants for the purpose of population health screening. Participant phenotype was not available at the time of variant classification. Additional details can be found in publication PMID: 35346344, PMCID: PMC8962531

Color Diagnostics, LLC DBA Color Health
Classification: Uncertain significance for Cardiomyopathy. Last evaluated: 2024-03-07. Review status: criteria provided, single submitter. Criteria: ACMG Guidelines, 2015. Collection method: clinical testing. Allele origin: germline.
Comment: This missense variant replaces glycine with arginine at codon 412 of the lamin A/C proteins. Computational prediction suggests that this variant may not impact protein structure and function (internally defined REVEL score threshold <= 0.5, PMID: 27666373). To our knowledge, functional studies have not been reported for this variant. This variant has not been reported in individuals affected with cardiovascular disorders in the literature. This variant has not been identified in the general population by the Genome Aggregation Database (gnomAD). The available evidence is insufficient to determine the role of this variant in disease conclusively. Therefore, this variant is classified as a Variant of Uncertain Significance.

GeneDx
Classification: Uncertain significance. Last evaluated: 2023-12-17. Review status: criteria provided, single submitter. Criteria: GeneDx Variant Classification Process June 2021. Collection method: clinical testing. Allele origin: germline. Affected: yes.
Comment: Not observed at significant frequency in large population cohorts (gnomAD); In silico analysis supports that this missense variant does not alter protein structure/function; Has not been previously published as pathogenic or benign to our knowledge; This variant is associated with the following publications: (PMID: 10939567)